The following is an entry in ClinVar:

ClinVar aggregate classification (germline): Uncertain significance (1 of 4 stars; one submission).

gnomAD v4.1: 5 of 1,184,562 alleles (0.00042%); highest among the groups gnomAD compares: African/African-American, 0.0071%; no homozygotes.

Submission:

Labcorp Genetics (formerly Invitae), Labcorp
Classification: Uncertain significance. Last evaluated: 2024-11-05. Review status: criteria provided, single submitter. Criteria: Invitae Variant Classification Sherloc (09022015). Collection method: clinical testing. Allele origin: germline.
Comment: This sequence change replaces asparagine, which is neutral and polar, with serine, which is neutral and polar, at codon 195 of the OPHN1 protein (p.Asn195Ser). The frequency data for this variant in the population databases is considered unreliable, as metrics indicate poor data quality at this position in the gnomAD database. This variant has not been reported in the literature in individuals affected with OPHN1-related conditions. An algorithm developed to predict the effect of missense changes on protein structure and function (PolyPhen-2) suggests that this variant is likely to be tolerated. In summary, the available evidence is currently insufficient to determine the role of this variant in disease. Therefore, it has been classified as a Variant of Uncertain Significance.

NM_002547.3(OPHN1):c.584A>G (p.Asn195Ser)

Gene: OPHN1 (oligophrenin 1; minus strand). Cytogenetic location: Xq12.
Variant type: single nucleotide variant.
Coding change: c.584A>G on transcript NM_002547.3 (MANE Select); coding-DNA position 584, A replaced by G.
Protein change: p.Asn195Ser; replaces asparagine 195 with serine.
Molecular consequence: missense variant.
Genome position (GRCh38, 1-based): chrX:68,213,875, T>C on the plus strand (A>G on the coding strand, the complement: OPHN1 is on the minus strand). VCF-style: chrX-68213875-T-C. GRCh37 (hg19) VCF-style: chrX-67433717-T-C.
Other names: short protein forms N195S.
Identifiers: ClinVar variation 3617427 (VCV003617427.2).
Genomic context (GRCh38, chrX:68,213,875, plus strand): 5'-GCATTTGATAAATATTTTTAGACCATTCATCAACAGAGAAAACTTACAGGCTCCACAATA[T>C]TGAACTTCTTGGACTCCTGAACTTCCTGGATTTGATAAACATAATCAAGAGAGGACTCGA-3'
Protein context (NP_002538.1, residues 185-205): IQEVQESKKF[Asn195Ser]IVEPVLAFLH